The following is an entry in ClinVar:

NR_163594.1(SSPO):n.5978C>T

Variant type: single nucleotide variant.
Molecular consequence: non-coding transcript variant (on NR_163594.1).
Genome position: GRCh38 VCF-style: chr7-149792441-C-T. GRCh37 (hg19) VCF-style: chr7-149489529-C-T.
Identifiers: ClinVar variation 2658151 (VCV002658151.23), dbSNP rs190917823, ClinGen allele CA4556804.

ClinVar aggregate classification (germline): Likely benign (1 of 4 stars; one submission).

Submission:

CeGaT Center for Human Genetics Tuebingen
Classification: Likely benign. Last evaluated: 2023-04-01. Review status: criteria provided, single submitter. Criteria: CeGaT Center For Human Genetics Tuebingen Variant Classification Criteria Version 2. Collection method: clinical testing. Allele origin: germline. Affected: yes. Observed: 1 variant allele.
Comment: SSPOP: BS2